The following is an entry in ClinVar:

NM_182961.4(SYNE1):c.21259G>T (p.Ala7087Ser)

Gene: SYNE1 (spectrin repeat containing nuclear envelope protein 1; minus strand). Cytogenetic location: 6q25.2.
Variant type: single nucleotide variant.
Coding change: c.21259G>T on transcript NM_182961.4 (MANE Select); coding-DNA position 21259, G replaced by T.
Protein change: p.Ala7087Ser; replaces alanine 7087 with serine.
Molecular consequence: missense variant.
Genome position (GRCh38, 1-based): chr6:152,225,813, C>A on the plus strand (G>T on the coding strand, the complement: SYNE1 is on the minus strand). VCF-style: chr6-152225813-C-A. GRCh37 (hg19) VCF-style: chr6-152546948-C-A.
Other names: c.21046G>T, p.Ala7016Ser (NM_033071.5); short protein forms A7016S, A7087S.
Identifiers: ClinVar variation 452997 (VCV000452997.6), dbSNP rs1321824454, ClinGen allele CA366109619.

ClinVar aggregate classification (germline): Uncertain significance. Review status: criteria provided, multiple submitters, no conflicts (2 of 4 stars). 2 submissions from 2 submitters: Uncertain significance (2). Last evaluated 2021-12-19.

Conditions:
Emery-Dreifuss muscular dystrophy 4, autosomal dominant (EDMD4). Also called: EMERY-DREIFUSS MUSCULAR DYSTROPHY 4 WITH VARIABLE FEATURES. Identifiers: Orphanet 261, MedGen C2751807, MONDO:0013071, OMIM 612998.
Autosomal recessive ataxia, Beauce type. Also called: Spinocerebellar ataxia, autosomal recessive 8; ATAXIA, RECESSIVE, OF BEAUCE; SYNE1-Related Autosomal Recessive Cerebellar Ataxia; SYNE1 Deficiency. Identifiers: Orphanet 88644, MedGen C1853116, MONDO:0012549, OMIM 610743.

Allele frequency attached by ClinVar (database versions not stated): gnomAD exomes below 0.00001 and 0.00001.
gnomAD v4.1: 19 of 1,614,044 alleles (0.0012%); highest among the groups gnomAD compares: Non-Finnish European, 0.0016%; no homozygotes.

Submissions (2):

Labcorp Genetics (formerly Invitae), Labcorp
Classification: Uncertain significance for Emery-Dreifuss muscular dystrophy 4, autosomal dominant; Autosomal recessive ataxia, Beauce type. Last evaluated: 2021-12-19. Review status: criteria provided, single submitter. Criteria: Invitae Variant Classification Sherloc (09022015). Collection method: clinical testing. Allele origin: germline.
Comment: In summary, the available evidence is currently insufficient to determine the role of this variant in disease. Therefore, it has been classified as a Variant of Uncertain Significance. Algorithms developed to predict the effect of missense changes on protein structure and function output the following: SIFT: "Tolerated"; PolyPhen-2: "Benign"; Align-GVGD: "Class C0". The serine amino acid residue is found in multiple mammalian species, which suggests that this missense change does not adversely affect protein function. ClinVar contains an entry for this variant (Variation ID: 452997). This variant has not been reported in the literature in individuals affected with SYNE1-related conditions. This variant is present in population databases (no rsID available, gnomAD 0.0009%). This sequence change replaces alanine, which is neutral and non-polar, with serine, which is neutral and polar, at codon 7016 of the SYNE1 protein (p.Ala7016Ser).

GeneDx
Classification: Uncertain significance. Last evaluated: 2017-10-27. Review status: criteria provided, single submitter. Criteria: GeneDx Variant Classification (06012015). Collection method: clinical testing. Allele origin: germline. Affected: yes.
Comment: A variant of uncertain significance has been identified in the SYNE1 gene. The A7016S variant has not been published as a pathogenic variant, nor has it been reported as a benign variant to our knowledge. The A7016S variant is observed in 1/111614 (0.001%) alleles from individuals of European background (Lek et al., 2016). The A7016S variant is a non-conservative amino acid substitution, which is likely to impact secondary protein structure as these residues differ in polarity, charge, size and/or other properties. However, this substitution occurs at a position that is not conserved. In silico analysis is inconsistent in its predictions as to whether or not the variant is damaging to the protein structure/function. Therefore, based on the currently available information, it is unclear whether this variant is a pathogenic variant or a rare benign variant.